The following is an entry in ClinVar:

ClinVar aggregate classification (germline): Uncertain significance (1 of 4 stars; one submission).

Conditions:
Emery-Dreifuss muscular dystrophy 5, autosomal dominant (EDMD5). Also called: EMERY-DREIFUSS MUSCULAR DYSTROPHY 5. Identifiers: Orphanet 261, MedGen C2751805, MONDO:0013072, OMIM 612999.

Submission:

Labcorp Genetics (formerly Invitae), Labcorp
Classification: Uncertain significance for Emery-Dreifuss muscular dystrophy 5, autosomal dominant. Last evaluated: 2019-11-26. Review status: criteria provided, single submitter. Criteria: Invitae Variant Classification Sherloc (09022015). Collection method: clinical testing. Allele origin: germline.
Comment: This variant, c.20299_20301del, results in the deletion of 1 amino acid(s) of the SYNE2 protein (p.Glu6767del), but otherwise preserves the integrity of the reading frame. This variant is not present in population databases (ExAC no frequency). This variant has not been reported in the literature in individuals with SYNE2-related conditions. Experimental studies and prediction algorithms are not available or were not evaluated, and the functional significance of this variant is currently unknown. In summary, the available evidence is currently insufficient to determine the role of this variant in disease. Therefore, it has been classified as a Variant of Uncertain Significance.

NM_182914.3(SYNE2):c.20296GAA[1] (p.Glu6767del)

Gene: SYNE2 (spectrin repeat containing nuclear envelope protein 2; plus strand). Cytogenetic location: 14q23.2.
Variant type: Microsatellite.
Coding change: c.20296GAA[1] on transcript NM_182914.3 (MANE Select); one copy of the 3-base unit GAA starting at c.20296; the reference has two copies in a row; one copy, 3 bases deleted.
Protein change: p.Glu6767del; deletes glutamic acid 6767.
Molecular consequence: inframe deletion.
Genome position (GRCh38, 1-based): chr14:64,223,297-64,223,299, GAA deleted; deleting any 3 consecutive bases within chr14:64,223,294-64,223,299 gives the same sequence; the position shown is the placement nearest the transcript's 3' end. VCF-style (leftmost placement, unchanged base first): chr14-64223293-TGAA-T. GRCh37 (hg19) VCF-style: chr14-64690011-TGAA-T.
Other names: c.20227GAA[1], p.Glu6744del (NM_015180.6); c.862GAA[1], p.Glu289del (NM_182910.2); c.1240GAA[1], p.Glu415del (NM_182913.4); short protein forms E289del, E415del, E6744del, E6767del.
Identifiers: ClinVar variation 855705 (VCV000855705.1), dbSNP rs2098703250, ClinGen allele CA916083379.
Genomic context (GRCh38, chr14:64,223,293, plus strand): 5'-GTTACAGGAGATTTCAAACAGCCTTCTCATTAAGGGACATGGAGAAGACTGTATTGAAGC[TGAA>T]GAAAAGGTGCATGTTATTGAGAAGAAACTCAAACAGTTACGGGAGCAAGTGTCCCAAGAT-3'